The following is an entry in ClinVar:

NM_181426.2(CCDC39):c.827A>G (p.Asn276Ser)

Gene: CCDC39 (coiled-coil domain 39 molecular ruler complex subunit; minus strand). Cytogenetic location: 3q26.33.
Variant type: single nucleotide variant.
Coding change: c.827A>G on transcript NM_181426.2 (MANE Select); coding-DNA position 827, A replaced by G.
Protein change: p.Asn276Ser; replaces asparagine 276 with serine.
Molecular consequence: missense variant.
Genome position (GRCh38, 1-based): chr3:180,654,865, T>C on the plus strand (A>G on the coding strand, the complement: CCDC39 is on the minus strand). VCF-style: chr3-180654865-T-C. GRCh37 (hg19) VCF-style: chr3-180372653-T-C.
Other names: short protein forms N276S.
Identifiers: ClinVar variation 3828629 (VCV003828629.2).
Genomic context (GRCh38, chr3:180,654,865, plus strand): 5'-GCCGTTCTACATTTTAAAAGTTTACGATCAGCCACAGAAATTCTTTTCTCAAACTCTGTG[T>C]TATTCCCAATCTCACTTTCCAAAAACTTGATCTTTTCTTTAACCAAATTTTCTTTTTCTC-3'
Protein context (NP_852091.1, residues 266-286): IKFLESEIGN[Asn276Ser]TEFEKRISVA

ClinVar aggregate classification (germline): Uncertain significance (1 of 4 stars; one submission).

Conditions:
Primary ciliary dyskinesia. Also called: Ciliary dyskinesia. Identifiers: Orphanet 244, MedGen C0008780, MONDO:0016575, HP:0012265.

Submission:

Ambry Genetics
Classification: Uncertain significance for Primary ciliary dyskinesia. Last evaluated: 2025-06-17. Review status: criteria provided, single submitter. Criteria: Ambry Variant Classification Scheme 2023. Collection method: clinical testing. Allele origin: germline.
Comment: The p.N276S variant (also known as c.827A>G), located in coding exon 7 of the CCDC39 gene, results from an A to G substitution at nucleotide position 827. The asparagine at codon 276 is replaced by serine, an amino acid with highly similar properties. This amino acid position is conserved. In addition, this alteration is predicted to be tolerated by in silico analysis. Based on the available evidence, the clinical significance of this variant remains unclear.